The following is an entry in ClinVar:

ClinVar aggregate classification (germline): Likely pathogenic. Review status: criteria provided, single submitter (1 of 4 stars). 2 submissions from 2 submitters: Likely pathogenic (1). 1 of the submissions does not count toward it. Last evaluated 2024-07-08.

Conditions:
Spongy degeneration of central nervous system. Also called: Canavan disease; Von Bogaert-Bertrand disease; ACY2 DEFICIENCY; AMINOACYLASE 2 DEFICIENCY; ASP DEFICIENCY; ASPA DEFICIENCY. Identifiers: Orphanet 141, MedGen C0206307, MONDO:0010079, OMIM 271900.

Submissions (2):

Natera, Inc.
Classification: Likely pathogenic for Canavan Disease. Last evaluated: 2024-07-08. Review status: criteria provided, single submitter. Criteria: Natera Variant Classification Schema (03/2026). Collection method: clinical testing. Allele origin: germline.
Comment: The c.170C>T variant in ASPA is a missense variant predicted to cause substitution of alanine to valine at amino acid 57. This variant is rare in the general population with a frequency below the threshold expected for the associated phenotype(s). This variant has been observed in one or more individuals affected with the associated recessive disease, as either homozygous or compound heterozygous with a second variant (PMID: 28101991). Functional studies show that this variant may disrupt protein function (PMID: 28101991). A different variant at the same position has been determined to be Pathogenic or Likely Pathogenic. Computational prediction algorithms indicate this variant is likely to affect gene or protein function. Given the available evidence, this variant is classified as Likely Pathogenic.

Counsyl
Classification: Uncertain significance for Spongy degeneration of central nervous system. Last evaluated: 2018-02-05. Review status: no assertion criteria provided. Collection method: clinical testing. Allele origin: unknown. Not counted in ClinVar's aggregate classification.

Literature cited by the submitters: PubMed 28101991 (cited by Natera, Inc. and Counsyl).

NM_000049.4(ASPA):c.170C>T (p.Ala57Val)

Genes: ASPA (aspartoacylase; plus strand), SPATA22 (spermatogenesis associated 22; minus strand). Cytogenetic location: 17p13.2.
Variant type: single nucleotide variant.
Coding change: c.170C>T on transcript NM_000049.4 (MANE Select); coding-DNA position 170, C replaced by T.
Protein change: p.Ala57Val; replaces alanine 57 with valine.
Molecular consequence: missense variant. On other transcripts: intron variant (2).
Genome position (GRCh38, 1-based): chr17:3,476,329, C>T. VCF-style: chr17-3476329-C-T. GRCh37 (hg19) VCF-style: chr17-3379623-C-T.
Other names: c.170C>T, p.Ala57Val (NM_001128085.1); c.-73-6931G>A (NM_001321336.2, NM_001321337.2); short protein forms A57V.
Identifiers: ClinVar variation 556428 (VCV000556428.4), dbSNP rs1555538148, ClinGen allele CA397681366.